The following is an entry in ClinVar:

NM_207361.6(FREM2):c.532C>A (p.Gln178Lys)

Gene: FREM2 (FRAS1 related extracellular matrix 2; plus strand). Cytogenetic location: 13q13.3.
Variant type: single nucleotide variant.
Coding change: c.532C>A on transcript NM_207361.6 (MANE Select); coding-DNA position 532, C replaced by A.
Protein change: p.Gln178Lys; replaces glutamine 178 with lysine.
Molecular consequence: missense variant.
Genome position (GRCh38, 1-based): chr13:38,687,876, C>A. VCF-style: chr13-38687876-C-A. GRCh37 (hg19) VCF-style: chr13-39262013-C-A.
Other names: c.532C>A (NM_207361.5); short protein forms Q178K.
Identifiers: ClinVar variation 311938 (VCV000311938.14), dbSNP rs148774506, ClinGen allele CA6954225.
Genomic context (GRCh38, chr13:38,687,876, plus strand): 5'-GACGCGCCCGGAGGGGCAGTAGTGCTACCACTGGTACTGGAGGTGGAGGTGGTCTTCACC[C>A]AGCTGGAGGTTGTGACTCGGAACTTGCCTCTGGTCGTGGAAGAGCTGCTGGGGACCAGCA-3'
Protein context (NP_997244.4, residues 168-188): LVLEVEVVFT[Gln178Lys]LEVVTRNLPL

ClinVar aggregate classification (germline): Conflicting classifications of pathogenicity. Review status: criteria provided, conflicting classifications (1 of 4 stars). 4 submissions from 4 submitters: Uncertain significance (2); Likely benign (1). 1 of the submissions does not count toward it. Last evaluated 2026-01-26.

Conditions:
FREM2-related disorder. Also called: FREM2-related condition.
Fraser syndrome 2 (FRASRS2). Identifiers: MedGen C4540036, MONDO:0054738, OMIM 617666.
Isolated cryptophthalmia. Also called: Cryptophthalmos, unilateral or bilateral, isolated; ANKYLOBLEPHARON, SIMPLE. Identifiers: Orphanet 91396, MedGen C1852453, MONDO:0007410, OMIM 123570.

Allele frequency attached by ClinVar (database versions not stated): ESP Exome Variant Server 0.00008; gnomAD 0.00008 and 0.00011; TOPMed 0.00014; gnomAD exomes 0.00016 and 0.00037; ExAC 0.00049.
gnomAD v4.1: 250 of 1,575,136 alleles (0.016%); highest among the groups gnomAD compares: South Asian, 0.12%; no homozygotes.

Submissions (4):

Labcorp Genetics (formerly Invitae), Labcorp
Classification: Likely benign. Last evaluated: 2026-01-26. Review status: criteria provided, single submitter. Criteria: Invitae Variant Classification Sherloc (09022015). Collection method: clinical testing. Allele origin: germline.

Fulgent Genetics
Classification: Uncertain significance for Isolated cryptophthalmia; Fraser syndrome 2. Last evaluated: 2022-03-30. Review status: criteria provided, single submitter. Criteria: ACMG Guidelines, 2015. Collection method: clinical testing. Allele origin: unknown.

Illumina Laboratory Services, Illumina
Classification: Uncertain significance for Fraser syndrome 2. Last evaluated: 2018-01-12. Review status: criteria provided, single submitter. Criteria: ICSL Variant Classification Criteria 13 December 2019. Collection method: clinical testing. Allele origin: germline.

PreventionGenetics, part of Exact Sciences
Classification: Uncertain significance for FREM2-related condition. Last evaluated: 2024-06-25. Review status: no assertion criteria provided. Collection method: clinical testing. Allele origin: germline. Not counted in ClinVar's aggregate classification.
Comment: The FREM2 c.532C>A variant is predicted to result in the amino acid substitution p.Gln178Lys. To our knowledge, this variant has not been reported in the literature. This variant is reported in 0.27% of alleles in individuals of Ashkenazi Jewish descent in gnomAD. Although we suspect that this variant may be benign, at this time, the clinical significance of this variant is uncertain due to the absence of conclusive functional and genetic evidence.